The following is an entry in ClinVar:

ClinVar aggregate classification (germline): Uncertain significance (1 of 4 stars; one submission).

gnomAD v4.1: 14 of 1,589,280 alleles (0.00088%); highest among the groups gnomAD compares: African/African-American, 0.016%; no homozygotes.

Submission:

GeneDx
Classification: Uncertain significance. Last evaluated: 2025-08-13. Review status: criteria provided, single submitter. Criteria: GeneDx Variant Classification Process June 2021. Collection method: clinical testing. Allele origin: germline. Affected: yes.
Comment: In silico analysis supports that this missense variant has a deleterious effect on protein structure/function; Missense variant in a gene in which most reported pathogenic variants are truncating/loss of function; Has not been previously published as pathogenic or benign to our knowledge

NM_201384.3(PLEC):c.11504A>G (p.Asp3835Gly)

Gene: PLEC (plectin; minus strand). Cytogenetic location: 8q24.3.
Variant type: single nucleotide variant.
Coding change: c.11504A>G on transcript NM_201384.3 (MANE Select); coding-DNA position 11504, A replaced by G.
Protein change: p.Asp3835Gly; replaces aspartic acid 3835 with glycine.
Molecular consequence: missense variant.
Genome position (GRCh38, 1-based): chr8:143,918,317, T>C on the plus strand (A>G on the coding strand, the complement: PLEC is on the minus strand). VCF-style: chr8-143918317-T-C. GRCh37 (hg19) VCF-style: chr8-144992485-T-C.
Other names: c.11585A>G, p.Asp3862Gly (NM_000445.5); c.8204A>G, p.Asp2735Gly (NM_001410941.1); c.11462A>G, p.Asp3821Gly (NM_201378.4); c.11438A>G, p.Asp3813Gly (NM_201379.3); c.11915A>G, p.Asp3972Gly (NM_201380.4); c.11408A>G, p.Asp3803Gly (NM_201381.3); c.11504A>G, p.Asp3835Gly (NM_201382.4); c.11516A>G, p.Asp3839Gly (NM_201383.3); short protein forms D3821G, D3862G, D3813G, D3839G, D3972G, D2735G, D3803G, D3835G.
Identifiers: ClinVar variation 4795686 (VCV004795686.1).